The following is an entry in ClinVar:

NM_177438.3(DICER1):c.1359A>G (p.Thr453=)

Gene: DICER1 (dicer 1, ribonuclease III; minus strand). Cytogenetic location: 14q32.13.
Variant type: single nucleotide variant.
Coding change: c.1359A>G on transcript NM_177438.3 (MANE Select); coding-DNA position 1359, A replaced by G.
Protein change: p.Thr453=; no amino-acid change (threonine 453 retained).
Molecular consequence: synonymous variant.
Genome position (GRCh38, 1-based): chr14:95,124,213, T>C on the plus strand (A>G on the coding strand, the complement: DICER1 is on the minus strand). VCF-style: chr14-95124213-T-C. GRCh37 (hg19) VCF-style: chr14-95590550-T-C.
Other names: c.1359A>G (NM_177438.2); c.1359A>G, p.Thr453= (NM_001195573.1, NM_001271282.3, NM_001291628.2 and 1 more transcripts).
Identifiers: ClinVar variation 1106132 (VCV001106132.13), dbSNP rs2140200757, ClinGen allele CA487845076.

ClinVar aggregate classification (germline): Benign/Likely benign. Review status: criteria provided, multiple submitters, no conflicts (2 of 4 stars). 3 submissions from 3 submitters: Benign (1); Likely benign (2). Last evaluated 2026-04-15.

Conditions:
DICER1-related tumor predisposition. Also called: DICER1 syndrome; DICER1-related pleuropulmonary blastoma cancer predisposition syndrome. Identifiers: Orphanet 284343, MedGen C3839822, MONDO:0100216.
Hereditary cancer-predisposing syndrome. Also called: Neoplastic Syndromes, Hereditary; Tumor predisposition; Hereditary Cancer Syndrome; Hereditary neoplastic syndrome. Identifiers: Orphanet 140162, MedGen C0027672, MeSH D009386, MONDO:0015356.

Allele frequency attached by ClinVar (database versions not stated): gnomAD exomes below 0.00001.
gnomAD v4.1: 3 of 1,613,558 alleles (0.00019%); highest among the groups gnomAD compares: Non-Finnish European, 0.00025%; no homozygotes.

Submissions (3):

Myriad Genetics, Inc.
Classification: Benign for DICER1-related tumor predisposition. Last evaluated: 2026-04-15. Review status: criteria provided, single submitter. Criteria: Myriad Autosomal Dominant, Autosomal Recessive and X-Linked Classification Criteria (2023). Collection method: clinical testing. Allele origin: unknown.
Comment: This variant is considered benign. This variant is a silent/synonymous amino acid change and it is not expected to impact splicing.

Labcorp Genetics (formerly Invitae), Labcorp
Classification: Likely benign for DICER1-related tumor predisposition. Last evaluated: 2025-02-10. Review status: criteria provided, single submitter. Criteria: Invitae Variant Classification Sherloc (09022015). Collection method: clinical testing. Allele origin: germline.

Ambry Genetics
Classification: Likely benign for Hereditary cancer-predisposing syndrome. Last evaluated: 2023-02-10. Review status: criteria provided, single submitter. Criteria: Ambry Variant Classification Scheme 2023. Collection method: clinical testing. Allele origin: germline.